The following is an entry in ClinVar:

ClinVar aggregate classification (germline): Pathogenic. Review status: criteria provided, multiple submitters, no conflicts (2 of 4 stars). 2 submissions from 2 submitters: Pathogenic (2). Last evaluated 2024-03-08.

Conditions:
Severe early-childhood-onset retinal dystrophy (STGD1). Also called: Stargardt macular dystrophy; Juvenile onset macular degeneration; Stargardt disease 1; MACULAR DYSTROPHY WITH FLECKS, TYPE 1; STGD. Identifiers: Orphanet 364055, Orphanet 827, MedGen C1855465, MeSH D000080362, MONDO:0009549, OMIM 248200.
Age related macular degeneration 2. Also called: MACULAR DEGENERATION, SENILE; MACULOPATHY, AGE-RELATED, 2; MACULOPATHY, AGE-RELATED. Identifiers: MedGen C3495438, MONDO:0007932, OMIM 153800.
Cone-rod dystrophy 3 (CORD3). Identifiers: Orphanet 1872, MedGen C1858806, MONDO:0011395, OMIM 604116.
Retinitis pigmentosa 19 (RP19). Also called: ABCA4-Related Retinitis Pigmentosa. Identifiers: Orphanet 791, MedGen C1866422, MONDO:0011137, OMIM 601718.
Stargardt disease (FFM). Also called: Stargardt's disease; Fundus flavimaculatus. Identifiers: Orphanet 827, MedGen C0271093, MONDO:0019353.

gnomAD v4.1: 3 of 1,614,268 alleles (0.00019%); highest among the groups gnomAD compares: Non-Finnish European, 0.00017%; no homozygotes.

Submissions (2):

Fulgent Genetics
Classification: Pathogenic for Age related macular degeneration 2; Severe early-childhood-onset retinal dystrophy; Retinitis pigmentosa 19; Cone-rod dystrophy 3. Last evaluated: 2024-03-08. Review status: criteria provided, single submitter. Criteria: ACMG Guidelines, 2015. Collection method: clinical testing. Allele origin: germline.

Women's Health and Genetics/Laboratory Corporation of America, LabCorp
Classification: Pathogenic for Stargardt disease. Last evaluated: 2024-03-07. Review status: criteria provided, single submitter. Criteria: LabCorp Variant Classification Summary - May 2015. Collection method: clinical testing. Allele origin: germline.
Comment: Variant summary: ABCA4 c.5351T>C (p.Leu1784Pro) results in a non-conservative amino acid change located in the ABC-2 type transporter, transmembrane domain (IPR013525) of the encoded protein sequence. Four of five in-silico tools predict a damaging effect of the variant on protein function. The variant allele was found at a frequency of 4e-06 in 251452 control chromosomes. c.5351T>C has been reported in the literature in at least 4 compound heterozygous individuals affected with Stargardt Disease (e.g., Nacissi_2018, Whelan_2020). These data indicate that the variant is likely to be associated with disease. Additionally, other variants at the Leu1784 residue have been reported as associated with disease (p.Leu1784Arg), suggesting that this codon is functionally important. To our knowledge, no experimental evidence demonstrating an impact on protein function has been reported. The following publications have been ascertained in the context of this evaluation (PMID: 30060493, 31963381). No submitters have cited clinical-significance assessments for this variant to ClinVar. Based on the evidence outlined above, the variant was classified as pathogenic.

Literature cited by the submitters: PubMed 31963381 (cited by Women's Health and Genetics/Laboratory Corporation of America, LabCorp); PubMed 30060493 (cited by Women's Health and Genetics/Laboratory Corporation of America, LabCorp).

NM_000350.3(ABCA4):c.5351T>C (p.Leu1784Pro)

Gene: ABCA4 (ATP binding cassette subfamily A member 4; minus strand). Cytogenetic location: 1p22.1.
Variant type: single nucleotide variant.
Coding change: c.5351T>C on transcript NM_000350.3 (MANE Select); coding-DNA position 5351, T replaced by C.
Protein change: p.Leu1784Pro; replaces leucine 1784 with proline.
Molecular consequence: missense variant.
Genome position (GRCh38, 1-based): chr1:94,014,652, A>G on the plus strand (T>C on the coding strand, the complement: ABCA4 is on the minus strand). VCF-style: chr1-94014652-A-G. GRCh37 (hg19) VCF-style: chr1-94480208-A-G.
Other names: c.5129T>C, p.Leu1710Pro (NM_001425324.1); c.5351T>C (NM_000350.2); short protein forms L1710P, L1784P.
Identifiers: ClinVar variation 3233596 (VCV003233596.3), dbSNP rs746252741, ClinGen allele CA341281459.